The following is an entry in ClinVar:

ClinVar aggregate classification (germline): Likely benign. Review status: criteria provided, multiple submitters, no conflicts (2 of 4 stars). 3 submissions from 3 submitters: Likely benign (3). Last evaluated 2025-09-03.

Conditions:
Cardiovascular phenotype. Identifiers: MedGen CN230736.
Dilated cardiomyopathy 1G (CMD1G). Identifiers: Orphanet 154, MedGen C1858763, MONDO:0011400, OMIM 604145.
Autosomal recessive limb-girdle muscular dystrophy type 2J (LGMDR10). Also called: Limb-girdle muscular dystrophy, type 2J; MUSCULAR DYSTROPHY, LIMB-GIRDLE, AUTOSOMAL RECESSIVE 10. Identifiers: Orphanet 140922, MedGen C1837342, MONDO:0012127, OMIM 608807.

Allele frequency attached by ClinVar (database versions not stated): gnomAD 0.00002.
gnomAD v4.1: 4 of 1,611,168 alleles (0.00025%); highest among the groups gnomAD compares: African/African-American, 0.004%; no homozygotes.

Submissions (3):

Labcorp Genetics (formerly Invitae), Labcorp
Classification: Likely benign for Dilated cardiomyopathy 1G; Autosomal recessive limb-girdle muscular dystrophy type 2J. Last evaluated: 2025-09-03. Review status: criteria provided, single submitter. Criteria: Invitae Variant Classification Sherloc (09022015). Collection method: clinical testing. Allele origin: germline.

Ambry Genetics
Classification: Likely benign for Cardiovascular phenotype. Last evaluated: 2019-06-07. Review status: criteria provided, single submitter. Criteria: Ambry Variant Classification Scheme 2023. Collection method: clinical testing. Allele origin: germline.

Laboratory for Molecular Medicine, Mass General Brigham Personalized Medicine
Classification: Likely benign. Last evaluated: 2012-02-09. Review status: criteria provided, single submitter. Criteria: LMM Criteria. Collection method: clinical testing. Allele origin: germline. Observed: 1 variant allele.
Comment: Ser15499Ser in exon 230 of TTN: This variant is not expected to have clinical si gnificance because it does not alter an amino acid residue. Ser15499Ser in exo n 230 of TTN (allele frequency = n/a)

NM_001267550.2(TTN):c.54201C>T (p.Ser18067=)

Genes: TTN-AS1 (TTN antisense RNA 1; plus strand), TTN (titin; minus strand). Cytogenetic location: 2q31.2.
Variant type: single nucleotide variant.
Coding change: c.54201C>T on transcript NM_001267550.2 (MANE Select); coding-DNA position 54201, C replaced by T.
Protein change: p.Ser18067=; no amino-acid change (serine 18067 retained).
Molecular consequence: synonymous variant. On other transcripts: non-coding transcript variant (1).
Genome position (GRCh38, 1-based): chr2:178,604,888, G>A on the plus strand (C>T on the coding strand, the complement: TTN is on the minus strand). VCF-style: chr2-178604888-G-A. GRCh37 (hg19) VCF-style: chr2-179469615-G-A.
Other names: c.49278C>T, p.Ser16426= (NM_001256850.1); c.27006C>T, p.Ser9002= (NM_003319.4); c.27381C>T, p.Ser9127= (NM_133432.3); c.27582C>T, p.Ser9194= (NM_133437.4); c.46497C>T, p.Ser15499= (NM_133378.4).
Identifiers: ClinVar variation 47087 (VCV000047087.12), dbSNP rs397517618, ClinGen allele CA139967.